The following is an entry in ClinVar:

ClinVar aggregate classification (germline): Pathogenic (1 of 4 stars; one submission).

Conditions:
Neurofibromatosis, type 1 (NF1). Also called: NEUROFIBROMATOSIS, TYPE I, SOMATIC; VON RECKLINGHAUSEN DISEASE; Peripheral type neurofibromatosis; Neurofibromatosis, type I. Identifiers: Orphanet 636, MedGen C0027831, MONDO:0018975, OMIM 162200. Disease mechanism: loss of function.

Submission:

Labcorp Genetics (formerly Invitae), Labcorp
Classification: Pathogenic for Neurofibromatosis, type 1. Last evaluated: 2023-04-06. Review status: criteria provided, single submitter. Criteria: Invitae Variant Classification Sherloc (09022015). Collection method: clinical testing. Allele origin: germline.
Comment: This sequence change creates a premature translational stop signal (p.Val1019Leufs*3) in the NF1 gene. It is expected to result in an absent or disrupted protein product. Loss-of-function variants in NF1 are known to be pathogenic (PMID: 10712197, 23913538). This variant is not present in population databases (gnomAD no frequency). This variant has not been reported in the literature in individuals affected with NF1-related conditions. ClinVar contains an entry for this variant (Variation ID: 2056295). For these reasons, this variant has been classified as Pathogenic.

Literature cited by the submitters: PubMed 10712197; PubMed 23913538.

NM_001042492.3(NF1):c.3054del (p.Val1019fs)

Gene: NF1 (neurofibromin 1; plus strand). Cytogenetic location: 17q11.2.
Variant type: Deletion.
Coding change: c.3054del on transcript NM_001042492.3 (MANE Select); coding-DNA position 3054, one base deleted (A; older notation c.3054delA).
Protein change: p.Val1019fs; shifts the reading frame from valine 1019.
Molecular consequence: frameshift variant.
Genome position (GRCh38, 1-based): chr17:31,230,323, A deleted. VCF-style (leftmost placement, unchanged base first): chr17-31230322-TA-T. GRCh37 (hg19) VCF-style: chr17-29557340-TA-T.
Other names: c.3054delA, p.Val1019Leufs (NM_000267.4); short protein forms V1019fs.
Identifiers: ClinVar variation 2056295 (VCV002056295.4), dbSNP rs2508206130, ClinGen allele CA2580092827.